The following is an entry in ClinVar:

ClinVar aggregate classification (germline): Conflicting classifications of pathogenicity. Review status: criteria provided, conflicting classifications (1 of 4 stars). 2 submissions from 2 submitters: Uncertain significance (1); Likely benign (1). Last evaluated 2025-03-14.

Allele frequency attached by ClinVar (database versions not stated): TOPMed 0.00006; ExAC 0.00006; gnomAD exomes 0.00002; ESP Exome Variant Server 0.00008; gnomAD 0.00008.
gnomAD v4.1: 42 of 1,613,322 alleles (0.0026%); highest among the groups gnomAD compares: African/African-American, 0.015%; no homozygotes.

Submissions (2):

Mayo Clinic Laboratories, Mayo Clinic
Classification: Uncertain significance. Last evaluated: 2025-03-14. Review status: criteria provided, single submitter. Criteria: ACMG Guidelines, 2015. Collection method: clinical testing. Allele origin: germline. Observed: 1 variant allele.
Comment: BP4_moderate, PM2_supporting

Ambry Genetics
Classification: Likely benign. Last evaluated: 2024-03-07. Review status: criteria provided, single submitter. Criteria: Ambry Variant Classification Scheme 2023. Collection method: clinical testing. Allele origin: germline.

NM_018417.6(ADCY10):c.761C>T (p.Thr254Met)

Genes: DCAF6 (DDB1 and CUL4 associated factor 6; plus strand), ADCY10 (adenylate cyclase 10; minus strand). Cytogenetic location: 1q24.2.
Variant type: single nucleotide variant.
Coding change: c.761C>T on transcript NM_018417.6 (MANE Select); coding-DNA position 761, C replaced by T.
Protein change: p.Thr254Met; replaces threonine 254 with methionine.
Molecular consequence: missense variant.
Genome position (GRCh38, 1-based): chr1:167,893,920, G>A on the plus strand (C>T on the coding strand, the complement: ADCY10 is on the minus strand). VCF-style: chr1-167893920-G-A. GRCh37 (hg19) VCF-style: chr1-167863158-G-A.
Other names: p.Thr254Met; c.302C>T, p.Thr101Met (NM_001167749.3); c.485C>T, p.Thr162Met (NM_001297772.2); short protein forms T101M, T162M, T254M.
Identifiers: ClinVar variation 3081340 (VCV003081340.2), dbSNP rs372120132, ClinGen allele CA1228169.
Genomic context (GRCh38, chr1:167,893,920, plus strand): 5'-AAAATGCTTTCCATCACATACTTTTGTAGGGACATCTCCAGTTCAGGATCAGGCTTCAGC[G>A]TGCATGCAAGCCTCAGGAGGTCTAAGAAGGCAGAAGGAGGGTGCAGGCTCAGAGAGGGAA-3'
Protein context (NP_060887.2, residues 244-264): EHKNLLRLAC[Thr254Met]LKPDPELEMS